The following is an entry in ClinVar:

ClinVar aggregate classification (germline): Pathogenic (1 of 4 stars; one submission).

Conditions:
Legius syndrome. Identifiers: Orphanet 137605, MedGen C1969623, MONDO:0012669, OMIM 611431. Disease mechanism: loss of function.

Submission:

Labcorp Genetics (formerly Invitae), Labcorp
Classification: Pathogenic for Legius syndrome. Last evaluated: 2019-09-02. Review status: criteria provided, single submitter. Criteria: Invitae Variant Classification Sherloc (09022015). Collection method: clinical testing. Allele origin: germline.
Comment: This variant is not present in population databases (ExAC no frequency). This sequence change creates a premature translational stop signal (p.Arg207*) in the SPRED1 gene. It is expected to result in an absent or disrupted protein product. This variant has not been reported in the literature in individuals with SPRED1-related conditions. For these reasons, this variant has been classified as Pathogenic. Loss-of-function variants in SPRED1 are known to be pathogenic (PMID: 17704776).

Literature cited by the submitters: PubMed 17704776.

NM_152594.3(SPRED1):c.619A>T (p.Arg207Ter)

Gene: SPRED1 (sprouty related EVH1 domain containing 1; plus strand). Cytogenetic location: 15q14.
Variant type: single nucleotide variant.
Coding change: c.619A>T on transcript NM_152594.3 (MANE Select); coding-DNA position 619, A replaced by T.
Protein change: p.Arg207Ter; replaces arginine 207 with a stop codon.
Molecular consequence: nonsense.
Genome position (GRCh38, 1-based): chr15:38,349,458, A>T. VCF-style: chr15-38349458-A-T. GRCh37 (hg19) VCF-style: chr15-38641659-A-T.
Other names: short protein forms R207*.
Identifiers: ClinVar variation 960145 (VCV000960145.8), dbSNP rs368660900, ClinGen allele CA391932846.
Genomic context (GRCh38, chr15:38,349,458, plus strand): 5'-AAGTAGAAATTGTTTGTATTTTAGATAACATTTGGTCAGCCAGGCTTGGACATTCAGAGC[A>T]GAAGTATGGAATACGTACAGCGGCAAATATCCAAGGAATGTGGAAGCCTAAAGTCCCAAA-3'